The following is an entry in ClinVar:

ClinVar aggregate classification (germline): Pathogenic (1 of 4 stars; one submission).

Conditions:
X-linked agammaglobulinemia with growth hormone deficiency (IGHD3). Also called: ISOLATED GROWTH HORMONE DEFICIENCY, TYPE III, WITH AGAMMAGLOBULINEMIA; FLEISHER SYNDROME; HYPOGAMMAGLOBULINEMIA AND ISOLATED GROWTH HORMONE DEFICIENCY, X-LINKED; IGHD III; AGAMMAGLOBULINEMIA AND ISOLATED GROWTH HORMONE DEFICIENCY, X-LINKED; Isolated growth hormone deficiency type 3. Identifiers: Orphanet 231692, Orphanet 631, MedGen C0472813, MONDO:0010615, OMIM 307200.

Submission:

Labcorp Genetics (formerly Invitae), Labcorp
Classification: Pathogenic for X-linked agammaglobulinemia with growth hormone deficiency. Last evaluated: 2023-09-10. Review status: criteria provided, single submitter. Criteria: Invitae Variant Classification Sherloc (09022015). Collection method: clinical testing. Allele origin: germline.
Comment: For these reasons, this variant has been classified as Pathogenic. ClinVar contains an entry for this variant (Variation ID: 647370). This variant is also known as c.1847_1848insTA (p.S572fsX587). This premature translational stop signal has been observed in individual(s) with X-linked agammaglobulinemia (PMID: 11438999). This variant is not present in population databases (gnomAD no frequency). This sequence change creates a premature translational stop signal (p.Ser572Ilefs*16) in the BTK gene. It is expected to result in an absent or disrupted protein product. Loss-of-function variants in BTK are known to be pathogenic (PMID: 15661032, 16862044, 19419768).

Literature cited by the submitters: PubMed 11438999; PubMed 15661032; PubMed 16862044; PubMed 19419768.

NM_000061.3(BTK):c.1713_1714dup (p.Ser572fs)

Gene: BTK (Bruton tyrosine kinase; minus strand). Cytogenetic location: Xq22.1.
Variant type: Microsatellite.
Coding change: c.1713_1714dup on transcript NM_000061.3 (MANE Select); coding-DNA positions 1713 to 1714, 2 bases duplicated (TA; older notation c.1713_1714dupTA).
Protein change: p.Ser572fs; shifts the reading frame from serine 572.
Molecular consequence: frameshift variant.
Genome position (GRCh38, 1-based): chrX:101,353,906-101,353,907, TA duplicated on the plus strand (TA on the coding strand, the reverse complement: BTK is on the minus strand); duplicating any 2 consecutive bases within chrX:101,353,906-101,353,909 gives the same sequence; the c. name uses the placement nearest the transcript's 3' end. VCF-style (leftmost placement, unchanged base first): chrX-101353905-C-CTA. GRCh37 (hg19) VCF-style: chrX-100608893-C-CTA.
Other names: c.1713_1714dupTA (NM_000061.2); c.1815_1816dup, p.Ser606fs (NM_001287344.2); c.1185_1186dup, p.Ser396fs (NM_001287345.2); short protein forms S396fs, S572fs, S606fs.
Identifiers: ClinVar variation 647370 (VCV000647370.9), dbSNP rs1603002367, ClinGen allele CA915951303.
Genomic context (GRCh38, chrX:101,353,905, plus strand): 5'-AATCTGTGTAATCTTATCCACTTACCAAAAGCCCAAATGTCAGATTTGCTGCTGAACTTG[C>CTA]TATACATCAGGACTTCCGGTGGGGACCACCGGACTGGAAATTTGGAGCCTACTGAGCTTG-3'